The following is an entry in ClinVar:

NM_006269.2(RP1):c.5321C>G (p.Thr1774Ser)

Genes: RP1 (RP1 axonemal microtubule associated; plus strand), LOC126860392 (CDK7 strongly-dependent group 2 enhancer GRCh37_chr8:55541319-55542518; plus strand). Cytogenetic location: 8q12.1.
Variant type: single nucleotide variant.
Coding change: c.5321C>G on transcript NM_006269.2 (MANE Select); coding-DNA position 5321, C replaced by G.
Protein change: p.Thr1774Ser; replaces threonine 1774 with serine.
Molecular consequence: missense variant. On other transcripts: intron variant (1).
Genome position (GRCh38, 1-based): chr8:54,629,203, C>G. VCF-style: chr8-54629203-C-G. GRCh37 (hg19) VCF-style: chr8-55541763-C-G.
Other names: c.787+6915C>G (NM_001375654.1); short protein forms T1774S.
Identifiers: ClinVar variation 2786089 (VCV002786089.3), dbSNP rs138117956, ClinGen allele CA370985692.

ClinVar aggregate classification (germline): Uncertain significance (1 of 4 stars; one submission).

gnomAD v4.1: 2 of 1,614,092 alleles (0.00012%); highest among the groups gnomAD compares: Non-Finnish European, 0.00017%; no homozygotes.

Submission:

Labcorp Genetics (formerly Invitae), Labcorp
Classification: Uncertain significance. Last evaluated: 2023-05-26. Review status: criteria provided, single submitter. Criteria: Invitae Variant Classification Sherloc (09022015). Collection method: clinical testing. Allele origin: germline.
Comment: In summary, the available evidence is currently insufficient to determine the role of this variant in disease. Therefore, it has been classified as a Variant of Uncertain Significance. An algorithm developed to predict the effect of missense changes on protein structure and function (PolyPhen-2) suggests that this variant is likely to be tolerated. This variant has not been reported in the literature in individuals affected with RP1-related conditions. This variant is not present in population databases (gnomAD no frequency). This sequence change replaces threonine, which is neutral and polar, with serine, which is neutral and polar, at codon 1774 of the RP1 protein (p.Thr1774Ser).